The following is an entry in ClinVar:

NM_178452.6(DNAAF1):c.1712C>T (p.Pro571Leu)

Gene: DNAAF1 (dynein axonemal assembly factor 1; plus strand). Cytogenetic location: 16q24.1.
Variant type: single nucleotide variant.
Coding change: c.1712C>T on transcript NM_178452.6 (MANE Select); coding-DNA position 1712, C replaced by T.
Protein change: p.Pro571Leu; replaces proline 571 with leucine.
Molecular consequence: missense variant.
Genome position (GRCh38, 1-based): chr16:84,175,946, C>T. VCF-style: chr16-84175946-C-T. GRCh37 (hg19) VCF-style: chr16-84209552-C-T.
Other names: c.1004C>T, p.Pro335Leu (NM_001318756.1); short protein forms P335L, P571L.
Identifiers: ClinVar variation 1441934 (VCV001441934.7), dbSNP rs199727292, ClinGen allele CA8203014.

ClinVar aggregate classification (germline): Conflicting classifications of pathogenicity. Review status: criteria provided, conflicting classifications (1 of 4 stars). 2 submissions from 2 submitters: Uncertain significance (1); Likely benign (1). Last evaluated 2024-12-23.

Conditions:
Primary ciliary dyskinesia. Also called: Ciliary dyskinesia. Identifiers: Orphanet 244, MedGen C0008780, MONDO:0016575, HP:0012265.

Allele frequency attached by ClinVar (database versions not stated): ExAC 0.00004.
gnomAD v4.1: 73 of 1,613,986 alleles (0.0045%); highest among the groups gnomAD compares: Middle Eastern, 0.033%; no homozygotes.

Submissions (2):

Ambry Genetics
Classification: Likely benign for Primary ciliary dyskinesia. Last evaluated: 2024-12-23. Review status: criteria provided, single submitter. Criteria: Ambry Variant Classification Scheme 2023. Collection method: clinical testing. Allele origin: germline.

Labcorp Genetics (formerly Invitae), Labcorp
Classification: Uncertain significance for Primary ciliary dyskinesia. Last evaluated: 2021-10-22. Review status: criteria provided, single submitter. Criteria: Invitae Variant Classification Sherloc (09022015). Collection method: clinical testing. Allele origin: germline.
Comment: In summary, the available evidence is currently insufficient to determine the role of this variant in disease. Therefore, it has been classified as a Variant of Uncertain Significance. Algorithms developed to predict the effect of missense changes on protein structure and function are either unavailable or do not agree on the potential impact of this missense change (SIFT: "Tolerated"; PolyPhen-2: "Possibly Damaging"; Align-GVGD: "Class C0"). This variant has not been reported in the literature in individuals affected with DNAAF1-related conditions. This variant is present in population databases (rs199727292, ExAC 0.006%). This sequence change replaces proline with leucine at codon 571 of the DNAAF1 protein (p.Pro571Leu). The proline residue is weakly conserved and there is a moderate physicochemical difference between proline and leucine.